The following is an entry in ClinVar:

ClinVar aggregate classification (germline): Pathogenic (1 of 4 stars; one submission).

Conditions:
Arrhythmogenic right ventricular dysplasia 9 (ARVD9). Also called: ARRHYTHMOGENIC RIGHT VENTRICULAR DYSPLASIA, FAMILIAL, 9; Arrhythmogenic Right Ventricular Dysplasia/Cardiomyopathy 9. Identifiers: MedGen C1836906, MONDO:0012180, OMIM 609040.

Submission:

Labcorp Genetics (formerly Invitae), Labcorp
Classification: Pathogenic for Arrhythmogenic right ventricular dysplasia 9. Last evaluated: 2021-05-13. Review status: criteria provided, single submitter. Criteria: Invitae Variant Classification Sherloc (09022015). Collection method: clinical testing. Allele origin: germline.
Comment: For these reasons, this variant has been classified as Pathogenic. This variant has not been reported in the literature in individuals with PKP2-related conditions. This variant is not present in population databases (ExAC no frequency). This sequence change creates a premature translational stop signal (p.Tyr659Ilefs*84) in the PKP2 gene. It is expected to result in an absent or disrupted protein product. Loss-of-function variants in PKP2 are known to be pathogenic (PMID: 15489853, 23911551).

Literature cited by the submitters: PubMed 15489853; PubMed 23911551.

NM_001005242.3(PKP2):c.1842dup (p.Tyr615fs)

Gene: PKP2 (plakophilin 2; minus strand). Cytogenetic location: 12p11.21.
Variant type: Duplication.
Coding change: c.1842dup on transcript NM_001005242.3 (MANE Select); coding-DNA position 1842, one base duplicated (A; older notation c.1842dupA).
Protein change: p.Tyr615fs; shifts the reading frame from tyrosine 615.
Molecular consequence: frameshift variant.
Genome position (GRCh38, 1-based): chr12:32,821,527, T duplicated on the plus strand (A on the coding strand, the reverse complement: PKP2 is on the minus strand); the first of 2 consecutive T bases (chr12:32,821,527-32,821,528); duplicating either gives the same sequence. VCF-style (leftmost placement, unchanged base first): chr12-32821526-A-AT. GRCh37 (hg19) VCF-style: chr12-32974460-A-AT.
Other names: c.1974dup, p.Tyr659fs (NM_004572.4); short protein forms Y615fs, Y659fs.
Identifiers: ClinVar variation 1452110 (VCV001452110.6), dbSNP rs1956378850, ClinGen allele CA946301867.
Genomic context (GRCh38, chr12:32,821,526, plus strand): 5'-GCCACAGCCACTCCACGCCCTTGGGGTTGCTCTTTTCCTCCGGCATCGGCACGTCCTGGT[A>AT]TTGCTGACCACACACAAAAGGAATCCAGAATTAATGCATGTCAGGTGATGGCTATAATTT-3'